The following is an entry in ClinVar:

NM_018263.6(ASXL2):c.2220G>A (p.Thr740=)

Gene: ASXL2 (ASXL transcriptional regulator 2; minus strand). Cytogenetic location: 2p23.3.
Variant type: single nucleotide variant.
Coding change: c.2220G>A on transcript NM_018263.6 (MANE Select); coding-DNA position 2220, G replaced by A.
Protein change: p.Thr740=; no amino-acid change (threonine 740 retained).
Molecular consequence: synonymous variant.
Genome position (GRCh38, 1-based): chr2:25,744,117, C>T on the plus strand (G>A on the coding strand, the complement: ASXL2 is on the minus strand). VCF-style: chr2-25744117-C-T. GRCh37 (hg19) VCF-style: chr2-25966986-C-T.
Other names: c.2046G>A, p.Thr682= (NM_001369346.1); c.1440G>A, p.Thr480= (NM_001369347.1).
Identifiers: ClinVar variation 749383 (VCV000749383.9), dbSNP rs376517297, ClinGen allele CA1557677.

ClinVar aggregate classification (germline): Likely benign. Review status: criteria provided, single submitter (1 of 4 stars). 2 submissions from 2 submitters: Likely benign (1). 1 of the submissions does not count toward it. Last evaluated 2026-01-15.

Conditions:
ASXL2-related disorder. Also called: ASXL2-related condition.

Allele frequency attached by ClinVar (database versions not stated): TOPMed 0.00006; ExAC 0.00007; ESP Exome Variant Server 0.00008; gnomAD 0.00008 and 0.00009; gnomAD exomes 0.00008 and 0.00017.
gnomAD v4.1: 251 of 1,613,828 alleles (0.016%); highest among the groups gnomAD compares: Non-Finnish European, 0.02%; no homozygotes.

Submissions (2):

Labcorp Genetics (formerly Invitae), Labcorp
Classification: Likely benign. Last evaluated: 2026-01-15. Review status: criteria provided, single submitter. Criteria: Invitae Variant Classification Sherloc (09022015). Collection method: clinical testing. Allele origin: germline.

PreventionGenetics, part of Exact Sciences
Classification: Likely benign for ASXL2-related condition. Last evaluated: 2019-07-24. Review status: no assertion criteria provided. Collection method: clinical testing. Allele origin: germline. Not counted in ClinVar's aggregate classification.
Comment: This variant is classified as likely benign based on ACMG/AMP sequence variant interpretation guidelines (Richards et al. 2015 PMID: 25741868, with internal and published modifications).